The following is an entry in ClinVar:

NM_005585.5(SMAD6):c.454_460del (p.Pro152fs)

Gene: SMAD6 (SMAD family member 6; plus strand). Cytogenetic location: 15q22.31.
Variant type: Deletion.
Coding change: c.454_460del on transcript NM_005585.5 (MANE Select); coding-DNA positions 454 to 460, 7 bases deleted (CCGGCGG; older notation c.454_460delCCGGCGG).
Protein change: p.Pro152fs; shifts the reading frame from proline 152.
Molecular consequence: frameshift variant. On other transcripts: non-coding transcript variant (1).
Genome position (GRCh38, 1-based): chr15:66,703,712-66,703,718, CCGGCGG deleted; deleting any 7 consecutive bases within chr15:66,703,711-66,703,718 gives the same sequence; the c. name uses the placement nearest the transcript's 3' end. VCF-style (leftmost placement, unchanged base first): chr15-66703710-AGCCGGCG-A. GRCh37 (hg19) VCF-style: chr15-66996048-AGCCGGCG-A.
Other names: short protein forms P152fs.
Identifiers: ClinVar variation 2632460 (VCV002632460.1), dbSNP rs2545311830, ClinGen allele CA2629101010.

ClinVar aggregate classification (germline): Likely pathogenic (1 of 4 stars; one submission).

Conditions:
SMAD6-related disease. Also called: SMAD6-related condition; SMAD6-related disorder. Identifiers: MedGen CN381596, MONDO:0700324.

Submission:

PreventionGenetics, part of Exact Sciences
Classification: Likely pathogenic for SMAD6-related condition. Last evaluated: 2023-06-23. Review status: criteria provided, single submitter. Criteria: ACMG Guidelines, 2015. Collection method: clinical testing. Allele origin: germline.
Comment: The SMAD6 c.454_460del7 variant is predicted to result in a frameshift and premature protein termination (p.Pro152Alafs*27). To our knowledge, this variant has not been reported in the literature or in a large population database, indicating it is rare. Frameshift variants in SMAD6 are expected to be pathogenic, and similar deletions have been reported in association with disease (see for example, c.452_458del p.E151Gfs*28, Yang. 2019. PubMed ID: 31138930). Taken together, the c.454_460del7 (p.Pro152Alafs*27) variant is interpreted as likely pathogenic.